The following is an entry in ClinVar:

NM_001378120.1(MBD5):c.3991A>T (p.Lys1331Ter)

Gene: MBD5 (methyl-CpG binding domain protein 5; plus strand). Cytogenetic location: 2q23.1.
Variant type: single nucleotide variant.
Coding change: c.3991A>T on transcript NM_001378120.1 (MANE Select); coding-DNA position 3991, A replaced by T.
Protein change: p.Lys1331Ter; replaces lysine 1331 with a stop codon.
Molecular consequence: nonsense.
Genome position (GRCh38, 1-based): chr2:148,489,623, A>T. VCF-style: chr2-148489623-A-T. GRCh37 (hg19) VCF-style: chr2-149247192-A-T.
Other names: c.3292A>T, p.Lys1098Ter (NM_018328.5); short protein forms K1331*, K1098*.
Identifiers: ClinVar variation 3726053 (VCV003726053.2).

ClinVar aggregate classification (germline): Pathogenic (1 of 4 stars; one submission).

Conditions:
Intellectual developmental disorder, autosomal dominant 1. Also called: MBD5 Haploinsufficiency; Intellectual disability, autosomal dominant 1. Identifiers: Orphanet 228402, MedGen C1969562, MONDO:0007974, OMIM 156200.

Submission:

Labcorp Genetics (formerly Invitae), Labcorp
Classification: Pathogenic for Intellectual developmental disorder, autosomal dominant 1. Last evaluated: 2024-11-25. Review status: criteria provided, single submitter. Criteria: Invitae Variant Classification Sherloc (09022015). Collection method: clinical testing. Allele origin: germline.
Comment: This sequence change creates a premature translational stop signal (p.Lys1098*) in the MBD5 gene. It is expected to result in an absent or disrupted protein product. Loss-of-function variants in MBD5 are known to be pathogenic (PMID: 23422940, 23587880). This variant is not present in population databases (gnomAD no frequency). This variant has not been reported in the literature in individuals affected with MBD5-related conditions. For these reasons, this variant has been classified as Pathogenic.

Literature cited by the submitters: PubMed 23422940; PubMed 23587880.